The following is an entry in ClinVar:

ClinVar aggregate classification (germline): Uncertain significance (1 of 4 stars; one submission).

Conditions:
Immunodeficiency 67. Also called: Immunodeficiency due to interleukin-1 receptor-associated kinase-4 deficiency. Identifiers: Orphanet 70592, MedGen C1843256, MONDO:0011888, OMIM 607676.

Allele frequency attached by ClinVar (database versions not stated): ExAC 0.00001; gnomAD 0.00001; TOPMed 0.00001; gnomAD exomes 0.00002.
gnomAD v4.1: 35 of 1,613,216 alleles (0.0022%); highest among the groups gnomAD compares: Non-Finnish European, 0.0029%; no homozygotes.

Submission:

Labcorp Genetics (formerly Invitae), Labcorp
Classification: Uncertain significance for Immunodeficiency 67. Last evaluated: 2022-03-26. Review status: criteria provided, single submitter. Criteria: Invitae Variant Classification Sherloc (09022015). Collection method: clinical testing. Allele origin: germline.
Comment: This sequence change replaces isoleucine, which is neutral and non-polar, with valine, which is neutral and non-polar, at codon 26 of the IRAK4 protein (p.Ile26Val). This variant is present in population databases (rs768548402, gnomAD 0.003%). This variant has not been reported in the literature in individuals affected with IRAK4-related conditions. Algorithms developed to predict the effect of missense changes on protein structure and function (SIFT, PolyPhen-2, Align-GVGD) all suggest that this variant is likely to be tolerated. In summary, the available evidence is currently insufficient to determine the role of this variant in disease. Therefore, it has been classified as a Variant of Uncertain Significance.

NM_016123.4(IRAK4):c.76A>G (p.Ile26Val)

Gene: IRAK4 (interleukin 1 receptor associated kinase 4; plus strand). Cytogenetic location: 12q12.
Variant type: single nucleotide variant.
Coding change: c.76A>G on transcript NM_016123.4 (MANE Select); coding-DNA position 76, A replaced by G.
Protein change: p.Ile26Val; replaces isoleucine 26 with valine.
Molecular consequence: missense variant. On other transcripts: 5 prime UTR variant (8), intron variant (2).
Genome position (GRCh38, 1-based): chr12:43,768,187, A>G. VCF-style: chr12-43768187-A-G. GRCh37 (hg19) VCF-style: chr12-44161990-A-G.
Other names: c.76A>G, p.Ile26Val (NM_001114182.3, NM_001351345.2); c.-151A>G (NM_001145256.2, NM_001145257.2, NM_001351338.2); c.-364A>G (NM_001351339.2, NM_001351340.2, NM_001351341.2); c.-302A>G (NM_001351343.2, NM_001351344.2); c.-278-2851A>G (NM_001351342.2); c.-65-3993A>G (NM_001145258.2); short protein forms I26V.
Identifiers: ClinVar variation 2142780 (VCV002142780.1), dbSNP rs768548402, ClinGen allele CA6522272.